The following is an entry in ClinVar:

NM_004549.6(NDUFC2):c.310+10G>A

Genes: NDUFC2 (NADH:ubiquinone oxidoreductase subunit C2; minus strand), NDUFC2-KCTD14 (NDUFC2-KCTD14 readthrough; minus strand). Cytogenetic location: 11q14.1.
Variant type: single nucleotide variant.
Coding change: c.310+10G>A on transcript NM_004549.6 (MANE Select); 10 bases into the intron after coding-DNA position 310, G replaced by A.
Molecular consequence: intron variant.
Genome position (GRCh38, 1-based): chr11:78,072,988, C>T on the plus strand (G>A on the coding strand, the complement: NDUFC2 is on the minus strand). VCF-style: chr11-78072988-C-T. GRCh37 (hg19) VCF-style: chr11-77784034-C-T.
Other names: c.166+6591G>A (NM_001203262.2); c.310+10G>A (NM_001203261.2, NM_001203260.2); c.241+10G>A (NM_001204055.2); c.229+91G>A (NM_001204054.3).
Identifiers: ClinVar variation 3770574 (VCV003770574.14).
Genomic context (GRCh38, chr11:78,072,988, plus strand): 5'-CATGGATAAGATTAACCAGGGAAAATAATAATACAGTAAACACAGATTATCTAAAATTAA[C>T]TTGAAATACCTTCTTCAGGAAAATCCTCTGGATGTAATTTCATATATCCAAACATTTCAC-3'

ClinVar aggregate classification (germline): Likely benign. Review status: criteria provided, multiple submitters, no conflicts (2 of 4 stars). 2 submissions from 2 submitters: Likely benign (2). Last evaluated 2026-02-01.

gnomAD v4.1: 8,186 of 1,607,034 alleles (0.51%); highest among the groups gnomAD compares: Non-Finnish European, 0.63%; 26 homozygotes.

Submissions (2):

CeGaT Center for Human Genetics Tuebingen
Classification: Likely benign. Last evaluated: 2026-02-01. Review status: criteria provided, single submitter. Criteria: CeGaT Center For Human Genetics Tuebingen Variant Classification Criteria Version 2. Collection method: clinical testing. Allele origin: germline. Affected: yes. Observed: 2 variant alleles.
Comment: NDUFC2: BS2; NDUFC2-KCTD14: BS2

Blueprint Genetics
Classification: Likely benign. Last evaluated: 2024-11-27. Review status: criteria provided, single submitter. Criteria: ACMG Guidelines, 2015. Collection method: clinical testing. Allele origin: germline.